The following is an entry in ClinVar:

ClinVar aggregate classification (germline): Uncertain significance (1 of 4 stars; one submission).

Conditions:
Hereditary cancer-predisposing syndrome. Also called: Neoplastic Syndromes, Hereditary; Tumor predisposition; Hereditary Cancer Syndrome; Hereditary neoplastic syndrome. Identifiers: Orphanet 140162, MedGen C0027672, MeSH D009386, MONDO:0015356.

Submission:

Color Diagnostics, LLC DBA Color Health
Classification: Uncertain significance for Hereditary cancer-predisposing syndrome. Last evaluated: 2019-10-01. Review status: criteria provided, single submitter. Criteria: ACMG Guidelines, 2015. Collection method: clinical testing. Allele origin: germline.
Comment: This missense variant replaces proline with serine at codon 2771 of the BRCA2 protein. Computational prediction is inconclusive regarding the impact of this variant on protein structure and function (internally defined REVEL score threshold 0.5 < inconclusive < 0.7, PMID: 27666373). Splice site prediction tools suggest that this variant may not impact RNA splicing. To our knowledge, functional studies have not been performed for this variant. This variant has not been reported in individuals affected with hereditary cancer in the literature. This variant has not been identified in the general population by the Genome Aggregation Database (gnomAD). The available evidence is insufficient to determine the role of this variant in disease conclusively. Therefore, this variant is classified as a Variant of Uncertain Significance.

NM_000059.4(BRCA2):c.8311C>T (p.Pro2771Ser)

Gene: BRCA2 (BRCA2 DNA repair associated; plus strand). Cytogenetic location: 13q13.1.
Variant type: single nucleotide variant.
Coding change: c.8311C>T on transcript NM_000059.4 (MANE Select); coding-DNA position 8311, C replaced by T.
Protein change: p.Pro2771Ser; replaces proline 2771 with serine.
Molecular consequence: missense variant.
Genome position (GRCh38, 1-based): chr13:32,363,513, C>T. VCF-style: chr13-32363513-C-T. GRCh37 (hg19) VCF-style: chr13-32937650-C-T.
Other names: short protein forms P2771S.
Identifiers: ClinVar variation 921961 (VCV000921961.3), dbSNP rs2072761108, ClinGen allele CA387750216.